The following is an entry in ClinVar:

ClinVar aggregate classification (germline): Uncertain significance. Review status: criteria provided, single submitter (1 of 4 stars). 2 submissions from 1 submitter: Uncertain significance (2). Last evaluated 2018-09-28.

Conditions:
Immunodeficiency 88. Also called: IMMUNODEFICIENCY 88, MYCOBACTERIOSIS, AUTOSOMAL RECESSIVE. Identifiers: MedGen C5562026, MONDO:0030483, OMIM 619630.
Asthma, nasal polyps, and aspirin intolerance. Also called: ASA TRIAD. Identifiers: MedGen C1859648, MONDO:0008834, OMIM 208550.

Allele frequency attached by ClinVar (database versions not stated): gnomAD exomes below 0.00001; ExAC 0.00001; gnomAD 0.00001; TOPMed 0.00001.
gnomAD v4.1: 2 of 1,612,534 alleles (0.00012%); highest among the groups gnomAD compares: African/African-American, 0.0027%; no homozygotes.

Submissions (2):

Center for Genomics, Ann and Robert H. Lurie Children's Hospital of Chicago
Classification: Uncertain significance for Asthma, nasal polyps, and aspirin intolerance. Last evaluated: 2018-09-28. Review status: criteria provided, single submitter. Criteria: ACMG Guidelines, 2015. Collection method: clinical testing. Allele origin: germline.
Comment: TBX21 NM_013351.1 exon 6 p.Glu424Asp (c.1272G>T): This variant has not been reported in the literature and is not present in large control databases. This variant Aspartic Acid (Asp) is present in several species; this suggests that this variant may not impact the protein. Additional computational prediction tools do not suggest an impact. In summary, data on this variant is insufficient for disease classification. Therefore, the clinical significance of this variant is uncertain.

Center for Genomics, Ann and Robert H. Lurie Children's Hospital of Chicago
Classification: Uncertain significance for Asthma, nasal polyps, and aspirin intolerance; Immunodeficiency 88. Review status: criteria provided, single submitter. Criteria: ACMG Guidelines, 2015. Collection method: clinical testing. Allele origin: germline.
Comment: the same text as in the submission from Center for Genomics, Ann and Robert H. Lurie Children's Hospital of Chicago above.

NM_013351.2(TBX21):c.1272G>T (p.Glu424Asp)

Gene: TBX21 (T-box transcription factor 21; plus strand). Cytogenetic location: 17q21.32.
Variant type: single nucleotide variant.
Coding change: c.1272G>T on transcript NM_013351.2 (MANE Select); coding-DNA position 1272, G replaced by T.
Protein change: p.Glu424Asp; replaces glutamic acid 424 with aspartic acid.
Molecular consequence: missense variant.
Genome position (GRCh38, 1-based): chr17:47,745,030, G>T. VCF-style: chr17-47745030-G-T. GRCh37 (hg19) VCF-style: chr17-45822396-G-T.
Other names: short protein forms E424D.
Identifiers: ClinVar variation 626180 (VCV000626180.3), dbSNP rs750645061, ClinGen allele CA8626487.